The following is an entry in ClinVar:

ClinVar aggregate classification (germline): Conflicting classifications of pathogenicity. Review status: criteria provided, conflicting classifications (1 of 4 stars). 6 submissions from 6 submitters: Uncertain significance (1); Benign (1); Likely benign (4). Last evaluated 2025-11-24.

Conditions:
Hereditary cancer-predisposing syndrome. Also called: Tumor predisposition; Neoplastic Syndromes, Hereditary; Hereditary Cancer Syndrome; Hereditary neoplastic syndrome. Identifiers: Orphanet 140162, MedGen C0027672, MeSH D009386, MONDO:0015356.
Hereditary diffuse gastric adenocarcinoma (HDGC). Also called: DIFFUSE GASTRIC AND LOBULAR BREAST CANCER SYNDROME. Identifiers: Orphanet 26106, MedGen C1708349, MONDO:0007648, OMIM 137215.

Allele frequency attached by ClinVar (database versions not stated): TOPMed below 0.00001; gnomAD 0.00001.
gnomAD v4.1: 3 of 1,614,000 alleles (0.00019%); highest among the groups gnomAD compares: African/African-American, 0.0027%; no homozygotes.

Submissions (6):

Labcorp Genetics (formerly Invitae), Labcorp
Classification: Likely benign for Hereditary diffuse gastric adenocarcinoma. Last evaluated: 2025-11-24. Review status: criteria provided, single submitter. Criteria: Invitae Variant Classification Sherloc (09022015). Collection method: clinical testing. Allele origin: germline.

Myriad Genetics, Inc.
Classification: Benign for Hereditary diffuse gastric adenocarcinoma. Last evaluated: 2024-09-24. Review status: criteria provided, single submitter. Criteria: Myriad Autosomal Dominant, Autosomal Recessive and X-Linked Classification Criteria (2023). Collection method: clinical testing. Allele origin: unknown.
Comment: This variant is considered benign. This variant is a silent/synonymous amino acid change and it is not expected to impact splicing.

Sema4
Classification: Uncertain significance for Hereditary cancer-predisposing syndrome. Last evaluated: 2021-07-21. Review status: criteria provided, single submitter. Criteria: Sema4 Curation Guidelines. Collection method: curation. Allele origin: germline.
Comment: The CDH1 c.2542C>T (p.L848=) variant has not been reported in the literature to our knowledge. It was not observed in the large and broad cohorts of the Genome Aggregation Database. The variant has been reported in ClinVar (Variation ID 628586). The nucleotide is conserved and in silico tools suggest that the variant does not impact splicing, though these predictions have not been confirmed by functional studies. The evidence is insufficient to meet ACMG/AMP criteria for classifying the variant as benign or pathogenic. Thus, the clinical significance of this variant is currently uncertain.

Ambry Genetics
Classification: Likely benign for Hereditary cancer-predisposing syndrome. Last evaluated: 2021-06-23. Review status: criteria provided, single submitter. Criteria: Ambry Variant Classification Scheme 2023. Collection method: clinical testing. Allele origin: germline.

ARUP Laboratories, Molecular Genetics and Genomics, ARUP Laboratories
Classification: Likely benign. Last evaluated: 2019-03-27. Review status: criteria provided, single submitter. Criteria: ARUP Molecular Germline Variant Investigation Process. Collection method: clinical testing. Allele origin: germline.

Color Diagnostics, LLC DBA Color Health
Classification: Likely benign for Hereditary cancer-predisposing syndrome. Last evaluated: 2016-05-17. Review status: criteria provided, single submitter. Criteria: ACMG Guidelines, 2015. Collection method: clinical testing. Allele origin: germline.

NM_004360.5(CDH1):c.2542C>T (p.Leu848=)

Gene: CDH1 (cadherin 1; plus strand). Cytogenetic location: 16q22.1.
Variant type: single nucleotide variant.
Coding change: c.2542C>T on transcript NM_004360.5 (MANE Select); coding-DNA position 2542, C replaced by T.
Protein change: p.Leu848=; no amino-acid change (leucine 848 retained).
Molecular consequence: synonymous variant.
Genome position (GRCh38, 1-based): chr16:68,833,392, C>T. VCF-style: chr16-68833392-C-T. GRCh37 (hg19) VCF-style: chr16-68867295-C-T.
Other names: c.2359C>T, p.Leu787= (NM_001317184.2); c.994C>T, p.Leu332= (NM_001317185.2); c.577C>T, p.Leu193= (NM_001317186.2).
Identifiers: ClinVar variation 628586 (VCV000628586.20), dbSNP rs1567517746, ClinGen allele CA496393126.